The following is an entry in ClinVar:

NM_001365902.3(NFIX):c.343C>T (p.Arg115Trp)

Gene: NFIX (nuclear factor I X; plus strand). Cytogenetic location: 19p13.13.
Variant type: single nucleotide variant.
Coding change: c.343C>T on transcript NM_001365902.3 (MANE Select); coding-DNA position 343, C replaced by T.
Protein change: p.Arg115Trp; replaces arginine 115 with tryptophan.
Molecular consequence: missense variant.
Genome position (GRCh38, 1-based): chr19:13,025,336, C>T. VCF-style: chr19-13025336-C-T. GRCh37 (hg19) VCF-style: chr19-13136150-C-T.
Other names: c.367C>T, p.Arg123Trp (NM_001271043.2); c.319C>T, p.Arg107Trp (NM_001271044.3, NM_001378404.1); c.343C>T, p.Arg115Trp (NM_001365982.2, NM_002501.4); c.202C>T, p.Arg68Trp (NM_001365983.2); c.340C>T, p.Arg114Trp (NM_001365984.2, NM_001365985.2); c.391C>T, p.Arg131Trp (NM_001378405.1); short protein forms R107W, R114W, R115W, R123W, R131W, R68W.
Identifiers: ClinVar variation 3775206 (VCV003775206.1).

ClinVar aggregate classification (germline): Likely pathogenic (1 of 4 stars; one submission).

Conditions:
Malan overgrowth syndrome (MALNS). Also called: MALAN SYNDROME; NFIX-Related Malan Syndrome; Sotos syndrome 2. Identifiers: Orphanet 420179, MedGen C3553660, MONDO:0013885, OMIM 614753.

Submission:

3billion
Classification: Likely pathogenic for Malan overgrowth syndrome. Last evaluated: 2023-12-27. Review status: criteria provided, single submitter. Criteria: ACMG Guidelines, 2015. Collection method: clinical testing. Allele origin: germline. Affected: yes.
Comment: The variant is not observed in the gnomAD v2.1.1 dataset. Predicted Consequence/Location: The variant is located in a mutational hot spot and/or well-established functional domain in which established pathogenic variants have been reported. In silico tool predictions suggest damaging effect of the variant on gene or gene product [REVEL: 0.87 (>=0.6, sensitivity 0.68 and specificity 0.92); 3Cnet: 0.99 (>=0.6, sensitivity 0.72 and precision 0.9)]. Same nucleotide change resulting in same amino acid change has been previously reported to be associated with NFIX related disorder (PMID: 26927468). A different missense change at the same codon (p.Arg115Gln) has been reported to be associated with NFIX related disorder (ClinVar ID: VCV000689713 /PMID: 31751304). Therefore, this variant is classified as Likely pathogenic according to the recommendation of ACMG/AMP guideline.

Literature cited by the submitters: PubMed 29897170; PubMed 31751304; PubMed 26927468.